The following is an entry in ClinVar:

ClinVar aggregate classification (germline): Benign/Likely benign. Review status: criteria provided, multiple submitters, no conflicts (2 of 4 stars). 4 submissions from 4 submitters: Benign (3); Likely benign (1). Last evaluated 2024-11-26.

Allele frequency attached by ClinVar (database versions not stated): gnomAD exomes 0.36264 and 0.39230; ExAC 0.40141; gnomAD 0.47734 and 0.48753; ESP Exome Variant Server 0.48408; TOPMed 0.48942; 1000 Genomes Project 0.48982; 1000 Genomes Project 30x 0.49906.
gnomAD v4.1: 598,827 of 1,602,050 alleles (37%); highest among the groups gnomAD compares: African/African-American, 77%; 119,930 homozygotes.

Submissions (4):

Blueprint Genetics
Classification: Likely benign. Last evaluated: 2024-11-26. Review status: criteria provided, single submitter. Criteria: ACMG Guidelines, 2015. Collection method: clinical testing. Allele origin: germline.

GeneDx
Classification: Benign. Last evaluated: 2018-11-10. Review status: criteria provided, single submitter. Criteria: GeneDx Variant Classification Process June 2021. Collection method: clinical testing. Allele origin: germline. Affected: yes.

Laboratory for Molecular Medicine, Mass General Brigham Personalized Medicine
Classification: Benign. Last evaluated: 2016-03-28. Review status: criteria provided, single submitter. Criteria: LMM Criteria. Collection method: clinical testing. Allele origin: germline.
Comment: Variant identified in a genome or exome case(s) and assessed due to predicted null impact of the variant or pathogenic assertions in the literature or databases. Disclaimer: This variant has not undergone full assessment. The following are preliminary notes: Frequency

Breakthrough Genomics
Classification: Benign. Review status: criteria provided, single submitter. Criteria: ACMG Guidelines, 2015. Collection method: not provided. Allele origin: germline. Inheritance: Unknown mechanism. Affected: yes.

NM_000715.4(C4BPA):c.899T>C (p.Ile300Thr)

Gene: C4BPA (complement component 4 binding protein alpha; plus strand). Cytogenetic location: 1q32.2.
Variant type: single nucleotide variant.
Coding change: c.899T>C on transcript NM_000715.4 (MANE Select); coding-DNA position 899, T replaced by C.
Protein change: p.Ile300Thr; replaces isoleucine 300 with threonine.
Molecular consequence: missense variant.
Genome position (GRCh38, 1-based): chr1:207,131,555, T>C. VCF-style: chr1-207131555-T-C. GRCh37 (hg19) VCF-style: chr1-207304900-T-C.
Other names: short protein forms I300T.
Identifiers: ClinVar variation 402445 (VCV000402445.7), dbSNP rs4844573, ClinGen allele CA1367671.